The following is an entry in ClinVar:

ClinVar aggregate classification (germline): Benign/Likely benign. Review status: criteria provided, multiple submitters, no conflicts (2 of 4 stars). 6 submissions from 6 submitters: Benign (2); Likely benign (3). 1 of the submissions does not count toward it. Last evaluated 2025-12-08.

Conditions:
KIF11-related disorder. Also called: KIF11-related condition.
Inborn genetic diseases. Identifiers: MedGen C0950123, MeSH D030342.

Allele frequency attached by ClinVar (database versions not stated): 1000 Genomes Project 30x 0.00062; 1000 Genomes Project 0.00080; gnomAD 0.00119 and 0.00126; TOPMed 0.00121; ESP Exome Variant Server 0.00123.
gnomAD v4.1: 342 of 1,596,928 alleles (0.021%); highest among the groups gnomAD compares: African/African-American, 0.4%; 2 homozygotes.

Submissions (6):

Labcorp Genetics (formerly Invitae), Labcorp
Classification: Benign. Last evaluated: 2025-12-08. Review status: criteria provided, single submitter. Criteria: Invitae Variant Classification Sherloc (09022015). Collection method: clinical testing. Allele origin: germline.

CeGaT Center for Human Genetics Tuebingen
Classification: Likely benign. Last evaluated: 2025-09-01. Review status: criteria provided, single submitter. Criteria: CeGaT Center For Human Genetics Tuebingen Variant Classification Criteria Version 2. Collection method: clinical testing. Allele origin: germline. Affected: yes. Observed: 2 variant alleles.
Comment: KIF11: BP4, BS1

Ambry Genetics
Classification: Likely benign for Inborn genetic diseases. Last evaluated: 2025-06-17. Review status: criteria provided, single submitter. Criteria: Ambry Variant Classification Scheme 2023. Collection method: clinical testing. Allele origin: germline.

Blueprint Genetics
Classification: Likely benign. Last evaluated: 2024-05-02. Review status: criteria provided, single submitter. Criteria: ACMG Guidelines, 2015. Collection method: clinical testing. Allele origin: germline.

Genetic Services Laboratory, University of Chicago
Classification: Benign. Last evaluated: 2017-05-25. Review status: criteria provided, single submitter. Criteria: ACMG Guidelines, 2015. Collection method: clinical testing. Allele origin: germline. Affected: no.

PreventionGenetics, part of Exact Sciences
Classification: Likely benign for KIF11-related condition. Last evaluated: 2024-09-05. Review status: no assertion criteria provided. Collection method: clinical testing. Allele origin: germline. Not counted in ClinVar's aggregate classification.
Comment: This variant is classified as likely benign based on ACMG/AMP sequence variant interpretation guidelines (Richards et al. 2015 PMID: 25741868, with internal and published modifications).

NM_004523.4(KIF11):c.2044C>G (p.Leu682Val)

Gene: KIF11 (kinesin family member 11; plus strand). Cytogenetic location: 10q23.33.
Variant type: single nucleotide variant.
Coding change: c.2044C>G on transcript NM_004523.4 (MANE Select); coding-DNA position 2044, C replaced by G.
Protein change: p.Leu682Val; replaces leucine 682 with valine.
Molecular consequence: missense variant.
Genome position (GRCh38, 1-based): chr10:92,637,429, C>G. VCF-style: chr10-92637429-C-G. GRCh37 (hg19) VCF-style: chr10-94397186-C-G.
Other names: short protein forms L682V.
Identifiers: ClinVar variation 435608 (VCV000435608.42), dbSNP rs141856144, ClinGen allele CA5604317.